The following is an entry in ClinVar:

ClinVar aggregate classification (germline): Pathogenic (0 of 4 stars; one submission).

Submission:

Leiden Open Variation Database
Classification: Pathogenic. Last evaluated: 2021-04-06. Review status: no assertion criteria provided. Collection method: curation. Allele origin: germline. Affected: yes.
Comment: Curator: Global Variome, with Curator vacancy. Submitter to LOVD: Manon Peeters.

Literature cited by the submitters: PubMed 30926958.

NM_000322.5(PRPH2):c.749_769delinsCATGA (p.Cys250_Tyr257delinsSerTer)

Gene: PRPH2 (peripherin 2; minus strand). Cytogenetic location: 6p21.1.
Variant type: Indel.
Coding change: c.749_769delinsCATGA on transcript NM_000322.5 (MANE Select); coding-DNA positions 749 to 769, GCAGGGCTGCCCTGCTGAGCT replaced by CATGA.
Protein change: p.Cys250_Tyr257delinsSerTer.
Molecular consequence: nonsense.
Genome position (GRCh38, 1-based): chr6:42,704,424-42,704,444, AGCTCAGCAGGGCAGCCCTGC replaced by TCATG on the plus strand (GCAGGGCTGCCCTGCTGAGCT replaced by CATGA on the coding strand, the reverse complement: PRPH2 is on the minus strand). VCF-style: chr6-42704424-AGCTCAGCAGGGCAGCCCTGC-TCATG. GRCh37 (hg19) VCF-style: chr6-42672162-AGCTCAGCAGGGCAGCCCTGC-TCATG.
Identifiers: ClinVar variation 1175299 (VCV001175299.1), dbSNP rs2152005226, ClinGen allele CA2499218266.